The following is an entry in ClinVar:

ClinVar aggregate classification (germline): Uncertain significance (1 of 4 stars; one submission).

gnomAD v4.1: 2 of 1,573,694 alleles (0.00013%); highest among the groups gnomAD compares: Non-Finnish European, 0.00017%; no homozygotes.

Submission:

GeneDx
Classification: Uncertain significance. Last evaluated: 2026-04-21. Review status: criteria provided, single submitter. Criteria: GeneDx Variant Classification Process June 2021. Collection method: clinical testing. Allele origin: germline.
Comment: Not observed at significant frequency in large population cohorts (gnomAD); In silico analysis supports that this missense variant has a deleterious effect on protein structure/function; Has not been previously published as pathogenic or benign to our knowledge

NM_005121.3(MED13):c.458C>T (p.Pro153Leu)

Gene: MED13 (mediator complex subunit 13; minus strand). Cytogenetic location: 17q23.2.
Variant type: single nucleotide variant.
Coding change: c.458C>T on transcript NM_005121.3 (MANE Select); coding-DNA position 458, C replaced by T.
Protein change: p.Pro153Leu; replaces proline 153 with leucine.
Molecular consequence: missense variant.
Genome position (GRCh38, 1-based): chr17:62,052,549, G>A on the plus strand (C>T on the coding strand, the complement: MED13 is on the minus strand). VCF-style: chr17-62052549-G-A. GRCh37 (hg19) VCF-style: chr17-60129910-G-A.
Other names: short protein forms P153L.
Identifiers: ClinVar variation 5037283 (VCV005037283.1).
Genomic context (GRCh38, chr17:62,052,549, plus strand): 5'-AAGGAACAAATCTAAAGAAATATCACGTCAGAATTTAAGATAGCTTACCTTTTATTTATA[G>A]GTTTTTCATCTTTTTCATAAGGCTTTACAAACCACTTGCCAATACGTACAAAATTCCTGT-3'
Protein context (NP_005112.2, residues 143-163): FVKPYEKDEK[Pro153Leu]INKSEHLSCS